The following is an entry in ClinVar:

ClinVar aggregate classification (germline): Uncertain significance (1 of 4 stars; one submission).

Submission:

GeneDx
Classification: Uncertain significance. Last evaluated: 2025-11-14. Review status: criteria provided, single submitter. Criteria: GeneDx Variant Classification Process June 2021. Collection method: clinical testing. Allele origin: germline.
Comment: Not observed at significant frequency in large population cohorts (gnomAD); In silico analysis supports a deleterious effect on protein structure/function; Has not been previously published as pathogenic or benign to our knowledge

NM_001020658.2(PUM1):c.2936_2937delinsTA (p.Cys979Leu)

Gene: PUM1 (pumilio RNA binding family member 1; minus strand). Cytogenetic location: 1p35.2.
Variant type: Indel.
Coding change: c.2936_2937delinsTA on transcript NM_001020658.2 (MANE Select); coding-DNA positions 2936 to 2937, GC replaced by TA.
Protein change: p.Cys979Leu; replaces cysteine 979 with leucine.
Molecular consequence: missense variant.
Genome position (GRCh38, 1-based): chr1:30,945,403-30,945,404, GC replaced by TA on the plus strand (GC replaced by TA on the coding strand, the reverse complement: PUM1 is on the minus strand). VCF-style: chr1-30945403-GC-TA. GRCh37 (hg19) VCF-style: chr1-31418250-GC-TA.
Other names: c.2930_2931delinsTA, p.Cys977Leu (NM_014676.3); short protein forms C977L, C979L.
Identifiers: ClinVar variation 3361518 (VCV003361518.2).